The following is an entry in ClinVar:

ClinVar aggregate classification (germline): Benign/Likely benign. Review status: criteria provided, multiple submitters, no conflicts (2 of 4 stars). 6 submissions from 6 submitters: Benign (1); Likely benign (5). Last evaluated 2025-07-31.

Conditions:
Classic or attenuated familial adenomatous polyposis. Identifiers: MedGen CN372698, MONDO:0021057.
Hereditary cancer-predisposing syndrome. Also called: Hereditary neoplastic syndrome; Hereditary Cancer Syndrome; Neoplastic Syndromes, Hereditary; Tumor predisposition. Identifiers: Orphanet 140162, MedGen C0027672, MeSH D009386, MONDO:0015356.
Familial adenomatous polyposis 1 (FAP1). Also called: FAMILIAL ADENOMATOUS POLYPOSIS 1, ATTENUATED; POLYPOSIS, ADENOMATOUS INTESTINAL. Identifiers: MedGen C2713442, MONDO:0021056, OMIM 175100. Disease mechanism: loss of function.

Allele frequency attached by ClinVar (database versions not stated): gnomAD exomes below 0.00001; gnomAD 0.00001; TOPMed 0.00001.
gnomAD v4.1: 9 of 1,614,064 alleles (0.00056%); highest among the groups gnomAD compares: African/African-American, 0.0027%; 1 homozygote.

Submissions (6):

Labcorp Genetics (formerly Invitae), Labcorp
Classification: Likely benign for Familial adenomatous polyposis 1. Last evaluated: 2025-07-31. Review status: criteria provided, single submitter. Criteria: Invitae Variant Classification Sherloc (09022015). Collection method: clinical testing. Allele origin: germline.

Myriad Genetics, Inc.
Classification: Benign for Familial adenomatous polyposis 1. Last evaluated: 2024-03-22. Review status: criteria provided, single submitter. Criteria: Myriad Autosomal Dominant, Autosomal Recessive and X-Linked Classification Criteria (2023). Collection method: clinical testing. Allele origin: unknown.
Comment: This variant is considered benign. This variant is a silent/synonymous amino acid change and it is not expected to impact splicing.

All of Us Research Program, National Institutes of Health
Classification: Likely benign for Classic or attenuated familial adenomatous polyposis. Last evaluated: 2023-04-27. Review status: criteria provided, single submitter. Criteria: ACMG Guidelines, 2015. Collection method: clinical testing. Allele origin: germline. Inheritance: Autosomal dominant inheritance. Observed: 1 variant allele, 1 heterozygote.
Comment: This study involves interpretation of variants in research participants for the purpose of population health screening. Participant phenotype was not available at the time of variant classification. Additional details can be found in publication PMID: 35346344, PMCID: PMC8962531

Mendelics
Classification: Likely benign for Familial adenomatous polyposis 1. Last evaluated: 2019-05-28. Review status: criteria provided, single submitter. Criteria: Mendelics Assertion Criteria 2017. Collection method: clinical testing. Allele origin: unknown.

Color Diagnostics, LLC DBA Color Health
Classification: Likely benign for Hereditary cancer-predisposing syndrome. Last evaluated: 2018-10-09. Review status: criteria provided, single submitter. Criteria: ACMG Guidelines, 2015. Collection method: clinical testing. Allele origin: germline.

Ambry Genetics
Classification: Likely benign for Hereditary cancer-predisposing syndrome. Last evaluated: 2015-11-24. Review status: criteria provided, single submitter. Criteria: Ambry Variant Classification Scheme 2023. Collection method: clinical testing. Allele origin: germline.

NM_000038.6(APC):c.3804A>G (p.Pro1268=)

Gene: APC (APC regulator of Wnt signaling pathway; plus strand). Cytogenetic location: 5q22.2.
Variant type: single nucleotide variant.
Coding change: c.3804A>G on transcript NM_000038.6 (MANE Select); coding-DNA position 3804, A replaced by G.
Protein change: p.Pro1268=; no amino-acid change (proline 1268 retained).
Molecular consequence: synonymous variant.
Genome position (GRCh38, 1-based): chr5:112,839,398, A>G. VCF-style: chr5-112839398-A-G. GRCh37 (hg19) VCF-style: chr5-112175095-A-G.
Other names: c.3804A>G, p.Pro1268= (NM_001127510.3, NM_001354895.2); c.3750A>G, p.Pro1250= (NM_001127511.3); c.3858A>G, p.Pro1286= (NM_001354896.2); c.3834A>G, p.Pro1278= (NM_001354897.2); c.3729A>G, p.Pro1243= (NM_001354898.2); c.3720A>G, p.Pro1240= (NM_001354899.2); c.3681A>G, p.Pro1227= (NM_001354900.2); c.3627A>G, p.Pro1209= (NM_001354901.2); and 5 more.
Identifiers: ClinVar variation 236595 (VCV000236595.20), dbSNP rs878853442, ClinGen allele CA10582311.